The following is an entry in ClinVar:

NM_000512.5(GALNS):c.1169T>C (p.Leu390Pro)

Gene: GALNS (galactosamine (N-acetyl)-6-sulfatase; minus strand). Cytogenetic location: 16q24.3.
Variant type: single nucleotide variant.
Coding change: c.1169T>C on transcript NM_000512.5 (MANE Select); coding-DNA position 1169, T replaced by C.
Protein change: p.Leu390Pro; replaces leucine 390 with proline.
Molecular consequence: missense variant.
Genome position (GRCh38, 1-based): chr16:88,824,840, A>G on the plus strand (T>C on the coding strand, the complement: GALNS is on the minus strand). VCF-style: chr16-88824840-A-G. GRCh37 (hg19) VCF-style: chr16-88891248-A-G.
Other names: c.614T>C, p.Leu205Pro (NM_001323543.2); c.1187T>C, p.Leu396Pro (NM_001323544.2); short protein forms L205P, L390P, L396P.
Identifiers: ClinVar variation 1048235 (VCV001048235.6), dbSNP rs2142993863, ClinGen allele CA397097672.

ClinVar aggregate classification (germline): Conflicting classifications of pathogenicity. Review status: criteria provided, conflicting classifications (1 of 4 stars). 2 submissions from 2 submitters: Pathogenic (1); Uncertain significance (1). Last evaluated 2023-05-19.

Conditions:
Mucopolysaccharidosis, MPS-IV-A (MPS4A). Also called: Mucopolysaccharidosis type IV A; Mucopolysaccharidosis Type IVA; Morquio syndrome A, mild; MORQUIO SYNDROME A; MPS IVA; mucopolysaccharidosis type 4A. Identifiers: Orphanet 309297, Orphanet 582, MedGen C0086651, MONDO:0009659, OMIM 253000.

Submissions (2):

Labcorp Genetics (formerly Invitae), Labcorp
Classification: Pathogenic for Mucopolysaccharidosis, MPS-IV-A. Last evaluated: 2023-05-19. Review status: criteria provided, single submitter. Criteria: Invitae Variant Classification Sherloc (09022015). Collection method: clinical testing. Allele origin: germline.
Comment: For these reasons, this variant has been classified as Pathogenic. Advanced modeling of protein sequence and biophysical properties (such as structural, functional, and spatial information, amino acid conservation, physicochemical variation, residue mobility, and thermodynamic stability) performed at Invitae indicates that this missense variant is expected to disrupt GALNS protein function. ClinVar contains an entry for this variant (Variation ID: 1048235). This missense change has been observed in individual(s) with mucopolysaccharidosis type IVA (PMID: 24120057). This variant is not present in population databases (gnomAD no frequency). This sequence change replaces leucine, which is neutral and non-polar, with proline, which is neutral and non-polar, at codon 390 of the GALNS protein (p.Leu390Pro).

Laboratory of Diagnosis and Therapy of Lysosomal Disorders, University of Padova
Classification: Uncertain significance for Mucopolysaccharidosis, MPS-IV-A. Last evaluated: 2021-02-01. Review status: criteria provided, single submitter. Criteria: ACMG Guidelines, 2015. Collection method: curation. Allele origin: germline. Affected: yes.
Comment: Absent from gnomAD v2.1.1 (PM2_moderate); multiple lines of computational evidence support a deleterious effect on the gene (PP3_supporting)

Literature cited by the submitters: PubMed 24120057 (cited by Labcorp Genetics (formerly Invitae), Labcorp and Laboratory of Diagnosis and Therapy of Lysosomal Disorders, University of Padova); PubMed 34387910 (cited by Laboratory of Diagnosis and Therapy of Lysosomal Disorders, University of Padova).